The following is an entry in ClinVar:

ClinVar aggregate classification (germline): Uncertain significance. Review status: criteria provided, multiple submitters, no conflicts (2 of 4 stars). 7 submissions from 7 submitters: Uncertain significance (7). Last evaluated 2025-11-10.

Conditions:
Inborn genetic diseases. Identifiers: MedGen C0950123, MeSH D030342.
Bardet-Biedl syndrome (BBS). Identifiers: Orphanet 110, MedGen C0752166, MONDO:0015229.
BBS7-related disorder. Also called: BBS7-related condition.
Bardet-Biedl syndrome 7 (BBS7). Identifiers: Orphanet 110, MedGen C1859565, MONDO:0014435, OMIM 615984.
BBS7-related ciliopathy. Identifiers: MedGen CN378628, MONDO:1040042.

Allele frequency attached by ClinVar (database versions not stated): ExAC 0.00006; TOPMed 0.00006; gnomAD exomes 0.00007 and 0.00011; gnomAD 0.00009; ESP Exome Variant Server 0.00015.
gnomAD v4.1: 163 of 1,613,684 alleles (0.01%); highest among the groups gnomAD compares: Non-Finnish European, 0.013%; no homozygotes.

Submissions (7):

PreventionGenetics, part of Exact Sciences
Classification: Uncertain significance for BBS7-related condition. Last evaluated: 2025-11-10. Review status: criteria provided, single submitter. Criteria: ACMG Guidelines, 2015. Collection method: clinical testing. Allele origin: germline.
Comment: The BBS7 c.1381A>G variant is predicted to result in the amino acid substitution p.Ile461Val. To our knowledge, this variant has not been reported in the literature. This variant is reported in 0.016% of alleles in individuals of European (Non-Finnish) descent in gnomAD. At this time, the clinical significance of this variant is uncertain due to the absence of conclusive functional and genetic evidence.

Fulgent Genetics
Classification: Uncertain significance for Bardet-Biedl syndrome 7. Last evaluated: 2024-06-25. Review status: criteria provided, single submitter. Criteria: ACMG Guidelines, 2015. Collection method: clinical testing. Allele origin: germline.

Department of Pathology and Laboratory Medicine, Sinai Health System
Classification: Uncertain significance for BBS7-related ciliopathy. Last evaluated: 2022-07-04. Review status: criteria provided, single submitter. Criteria: ACMG Guidelines, 2015. Collection method: research. Allele origin: germline.

Labcorp Genetics (formerly Invitae), Labcorp
Classification: Uncertain significance for Bardet-Biedl syndrome. Last evaluated: 2022-06-12. Review status: criteria provided, single submitter. Criteria: Invitae Variant Classification Sherloc (09022015). Collection method: clinical testing. Allele origin: germline.
Comment: This sequence change replaces isoleucine, which is neutral and non-polar, with valine, which is neutral and non-polar, at codon 461 of the BBS7 protein (p.Ile461Val). This variant is present in population databases (rs141224967, gnomAD 0.02%). This variant has not been reported in the literature in individuals affected with BBS7-related conditions. ClinVar contains an entry for this variant (Variation ID: 836199). Algorithms developed to predict the effect of missense changes on protein structure and function (SIFT, PolyPhen-2, Align-GVGD) all suggest that this variant is likely to be tolerated. In summary, the available evidence is currently insufficient to determine the role of this variant in disease. Therefore, it has been classified as a Variant of Uncertain Significance.

Blueprint Genetics
Classification: Uncertain significance. Last evaluated: 2022-01-14. Review status: criteria provided, single submitter. Criteria: ACMG Guidelines, 2015. Collection method: clinical testing. Allele origin: germline.

Ambry Genetics
Classification: Uncertain significance for Inborn genetic diseases. Last evaluated: 2021-06-02. Review status: criteria provided, single submitter. Criteria: Ambry Variant Classification Scheme 2023. Collection method: clinical testing. Allele origin: germline.
Comment: The c.1381A>G (p.I461V) alteration is located in exon 14 (coding exon 14) of the BBS7 gene. This alteration results from a A to G substitution at nucleotide position 1381, causing the isoleucine (I) at amino acid position 461 to be replaced by a valine (V). The p.I461V alteration is predicted to be tolerated by in silico analysis. Based on insufficient or conflicting evidence, the clinical significance of this alteration remains unclear.

Illumina Laboratory Services, Illumina
Classification: Uncertain significance for Bardet-Biedl syndrome 7. Last evaluated: 2018-01-13. Review status: criteria provided, single submitter. Criteria: ICSL Variant Classification Criteria 13 December 2019. Collection method: clinical testing. Allele origin: germline.

NM_176824.3(BBS7):c.1381A>G (p.Ile461Val)

Gene: BBS7 (Bardet-Biedl syndrome 7; minus strand). Cytogenetic location: 4q27.
Variant type: single nucleotide variant.
Coding change: c.1381A>G on transcript NM_176824.3 (MANE Select); coding-DNA position 1381, A replaced by G.
Protein change: p.Ile461Val; replaces isoleucine 461 with valine.
Molecular consequence: missense variant.
Genome position (GRCh38, 1-based): chr4:121,835,274, T>C on the plus strand (A>G on the coding strand, the complement: BBS7 is on the minus strand). VCF-style: chr4-121835274-T-C. GRCh37 (hg19) VCF-style: chr4-122756429-T-C.
Other names: c.1381A>G, p.Ile461Val (NM_018190.4); short protein forms I461V.
Identifiers: ClinVar variation 836199 (VCV000836199.15), dbSNP rs141224967, ClinGen allele CA3064231.